The following is an entry in ClinVar:

ClinVar aggregate classification (germline): Uncertain significance (1 of 4 stars; one submission).

Conditions:
Vici syndrome (VICIS). Identifiers: Orphanet 1493, MedGen C1855772, MONDO:0009452, OMIM 242840.

Submission:

Labcorp Genetics (formerly Invitae), Labcorp
Classification: Uncertain significance for Vici syndrome. Last evaluated: 2022-08-22. Review status: criteria provided, single submitter. Criteria: Invitae Variant Classification Sherloc (09022015). Collection method: clinical testing. Allele origin: germline.
Comment: This sequence change replaces serine, which is neutral and polar, with cysteine, which is neutral and slightly polar, at codon 1134 of the EPG5 protein (p.Ser1134Cys). This variant is not present in population databases (gnomAD no frequency). This variant has not been reported in the literature in individuals affected with EPG5-related conditions. Algorithms developed to predict the effect of missense changes on protein structure and function are either unavailable or do not agree on the potential impact of this missense change (SIFT: "Tolerated"; PolyPhen-2: "Probably Damaging"; Align-GVGD: "Class C0"). In summary, the available evidence is currently insufficient to determine the role of this variant in disease. Therefore, it has been classified as a Variant of Uncertain Significance.

NM_020964.3(EPG5):c.3400A>T (p.Ser1134Cys)

Gene: EPG5 (ectopic P-granules 5 autophagy tethering factor; minus strand). Cytogenetic location: 18q21.1.
Variant type: single nucleotide variant.
Coding change: c.3400A>T on transcript NM_020964.3 (MANE Select); coding-DNA position 3400, A replaced by T.
Protein change: p.Ser1134Cys; replaces serine 1134 with cysteine.
Molecular consequence: missense variant.
Genome position (GRCh38, 1-based): chr18:45,916,191, T>A on the plus strand (A>T on the coding strand, the complement: EPG5 is on the minus strand). VCF-style: chr18-45916191-T-A. GRCh37 (hg19) VCF-style: chr18-43496156-T-A.
Other names: c.3400A>T, p.Ser1134Cys (NM_001410858.1, NM_001410859.1); short protein forms S1134C.
Identifiers: ClinVar variation 2002902 (VCV002002902.1), dbSNP rs2511822431, ClinGen allele CA402342715.